The following is an entry in ClinVar:

NM_001378454.1(ALMS1):c.5501del (p.Pro1834fs)

Gene: ALMS1 (ALMS1 centrosome and basal body associated protein; plus strand). Cytogenetic location: 2p13.1.
Variant type: Deletion.
Coding change: c.5501del on transcript NM_001378454.1 (MANE Select); coding-DNA position 5501, one base deleted (C; older notation c.5501delC).
Protein change: p.Pro1834fs; shifts the reading frame from proline 1834.
Molecular consequence: frameshift variant.
Genome position (GRCh38, 1-based): chr2:73,452,028, C deleted; the last of 2 consecutive C bases (chr2:73,452,027-73,452,028); deleting either gives the same sequence. VCF-style (leftmost placement, unchanged base first): chr2-73452026-TC-T. GRCh37 (hg19) VCF-style: chr2-73679153-TC-T.
Other names: c.5504del, p.Pro1835fs (NM_015120.4); short protein forms P1834fs, P1835fs.
Identifiers: ClinVar variation 2006311 (VCV002006311.4), dbSNP rs2466105501, ClinGen allele CA2580067988.
Genomic context (GRCh38, chr2:73,452,026, plus strand): 5'-TGTTTCCTACCAGCGAGAGTTGCCGCATTTTACTGAAGCAGGTTTGAAAATTTTAAGAGT[TC>T]CTGGACCAGCTGACCAGAAGACTGGAATAAACATCCTGCCCTCTAATTCCTACCCACAGA-3'

ClinVar aggregate classification (germline): Pathogenic (1 of 4 stars; one submission).

Conditions:
Alstrom syndrome (ALMS). Identifiers: Orphanet 64, MedGen C0268425, MONDO:0008763, OMIM 203800.

Submission:

Labcorp Genetics (formerly Invitae), Labcorp
Classification: Pathogenic for Alstrom syndrome. Last evaluated: 2022-06-14. Review status: criteria provided, single submitter. Criteria: Invitae Variant Classification Sherloc (09022015). Collection method: clinical testing. Allele origin: germline.
Comment: This variant is not present in population databases (gnomAD no frequency). For these reasons, this variant has been classified as Pathogenic. This variant has not been reported in the literature in individuals affected with ALMS1-related conditions. This sequence change creates a premature translational stop signal (p.Pro1835Leufs*10) in the ALMS1 gene. It is expected to result in an absent or disrupted protein product. Loss-of-function variants in ALMS1 are known to be pathogenic (PMID: 17594715).

Literature cited by the submitters: PubMed 17594715.